The following is an entry in ClinVar:

NM_005591.4(MRE11):c.149A>G (p.Asn50Ser)

Gene: MRE11 (MRE11 double strand break repair nuclease; minus strand). Cytogenetic location: 11q21.
Variant type: single nucleotide variant.
Coding change: c.149A>G on transcript NM_005591.4 (MANE Select); coding-DNA position 149, A replaced by G.
Protein change: p.Asn50Ser; replaces asparagine 50 with serine.
Molecular consequence: missense variant.
Genome position (GRCh38, 1-based): chr11:94,490,837, T>C on the plus strand (A>G on the coding strand, the complement: MRE11 is on the minus strand). VCF-style: chr11-94490837-T-C. GRCh37 (hg19) VCF-style: chr11-94224003-T-C.
Other names: c.149A>G, p.Asn50Ser (NM_001330347.2, NM_005590.4); short protein forms N50S.
Identifiers: ClinVar variation 483601 (VCV000483601.6), dbSNP rs746023147, ClinGen allele CA382380574.

ClinVar aggregate classification (germline): Uncertain significance (1 of 4 stars; one submission).

Conditions:
Hereditary cancer-predisposing syndrome. Also called: Neoplastic Syndromes, Hereditary; Tumor predisposition; Hereditary Cancer Syndrome; Hereditary neoplastic syndrome. Identifiers: Orphanet 140162, MedGen C0027672, MeSH D009386, MONDO:0015356.

Allele frequency attached by ClinVar (database versions not stated): TOPMed 0.00001.

Submission:

Ambry Genetics
Classification: Uncertain significance for Hereditary cancer-predisposing syndrome. Last evaluated: 2025-10-23. Review status: criteria provided, single submitter. Criteria: Ambry Variant Classification Scheme 2023. Collection method: clinical testing. Allele origin: germline.
Comment: The p.N50S variant (also known as c.149A>G), located in coding exon 2 of the MRE11A gene, results from an A to G substitution at nucleotide position 149. The asparagine at codon 50 is replaced by serine, an amino acid with highly similar properties. This amino acid position is highly conserved in available vertebrate species. In addition, this alteration is predicted to be tolerated by in silico analysis. Since supporting evidence is limited at this time, the clinical significance of this alteration remains unclear.